The following is an entry in ClinVar:

ClinVar aggregate classification (germline): Uncertain significance (1 of 4 stars; one submission).

Conditions:
Episodic ataxia type 2 (EA2). Also called: ACETAZOLAMIDE-RESPONSIVE HEREDITARY PAROXYSMAL CEREBELLAR ATAXIA; ATAXIA, EPISODIC, WITH NYSTAGMUS; ATAXIA, FAMILIAL PAROXYSMAL; CEREBELLAR ATAXIA, PAROXYSMAL, ACETAZOLAMIDE-RESPONSIVE; CEREBELLOPATHY, HEREDITARY PAROXYSMAL; EPISODIC ATAXIA, NYSTAGMUS-ASSOCIATED. Identifiers: Orphanet 97, MedGen C1720416, MONDO:0007163, OMIM 108500.
Developmental and epileptic encephalopathy, 42 (DEE42A). Also called: Epileptic encephalopathy, early infantile, 42; DEVELOPMENTAL AND EPILEPTIC ENCEPHALOPATHY 42A; EPILEPTIC ENCEPHALOPATHY, EARLY INFANTILE, 42A. Identifiers: MedGen C4310716, MONDO:0014917, OMIM 617106.

Submission:

Labcorp Genetics (formerly Invitae), Labcorp
Classification: Uncertain significance for Developmental and epileptic encephalopathy, 42; Episodic ataxia type 2. Last evaluated: 2025-06-22. Review status: criteria provided, single submitter. Criteria: Invitae Variant Classification Sherloc (09022015). Collection method: clinical testing. Allele origin: germline.
Comment: This sequence change replaces threonine, which is neutral and polar, with lysine, which is basic and polar, at codon 1341 of the CACNA1A protein (p.Thr1341Lys). This variant is not present in population databases (gnomAD no frequency). This variant has not been reported in the literature in individuals affected with CACNA1A-related conditions. Invitae Evidence Modeling of protein sequence and biophysical properties (such as structural, functional, and spatial information, amino acid conservation, physicochemical variation, residue mobility, and thermodynamic stability) indicates that this missense variant is expected to disrupt CACNA1A protein function with a positive predictive value of 95%. In summary, the available evidence is currently insufficient to determine the role of this variant in disease. Therefore, it has been classified as a Variant of Uncertain Significance.

NM_001127222.2(CACNA1A):c.4019C>A (p.Thr1340Lys)

Gene: CACNA1A (calcium voltage-gated channel subunit alpha1 A; minus strand). Cytogenetic location: 19p13.13.
Variant type: single nucleotide variant.
Coding change: c.4019C>A on transcript NM_001127222.2 (MANE Select); coding-DNA position 4019, C replaced by A.
Protein change: p.Thr1340Lys; replaces threonine 1340 with lysine.
Molecular consequence: missense variant.
Genome position (GRCh38, 1-based): chr19:13,262,804, G>T on the plus strand (C>A on the coding strand, the complement: CACNA1A is on the minus strand). VCF-style: chr19-13262804-G-T. GRCh37 (hg19) VCF-style: chr19-13373618-G-T.
Other names: c.4031C>A, p.Thr1344Lys (NM_000068.4, NM_023035.3); c.4022C>A, p.Thr1341Lys (NM_001127221.2, NM_001174080.2); short protein forms T1340K, T1341K, T1344K.
Identifiers: ClinVar variation 4789723 (VCV004789723.1).
Genomic context (GRCh38, chr19:13,262,804, plus strand): 5'-GGCAGCCGCTTGATGGTTTTAAGAGGTCGTAGCACCCGGAGGACTCGGAGGGATTTAATC[G>T]TGTTGATGTCTTTTCCTTTGCTATTGCCACTGTGGAGGAATGTTTAGGTGGGAAGAAGGG-3'
Protein context (NP_001120694.1, residues 1330-1350): TGNSKGKDIN[Thr1340Lys]IKSLRVLRVL